The following is an entry in ClinVar:

NM_006348.3(COG5):c.22_23delinsTT

Gene: COG5 (component of oligomeric golgi complex 5; minus strand). Cytogenetic location: 7q22.3.
Variant type: Indel.
Coding change: c.22_23delinsTT on transcript NM_006348.3; coding-DNA positions 22 to 23, CG replaced by TT.
Genome position (GRCh38, 1-based): chr7:107,563,967-107,563,968, CG replaced by AA on the plus strand (CG replaced by TT on the coding strand, the reverse complement: COG5 is on the minus strand). VCF-style: chr7-107563967-CG-AA. GRCh37 (hg19) VCF-style: chr7-107204412-CG-AA.
Identifiers: ClinVar variation 3602961 (VCV003602961.1).
Genomic context (GRCh38, chr7:107,563,967, plus strand): 5'-GCCGGGTTGATGTCGTCAGCAGCAGAACGGCTCCGCCCAGGTGGTGACGCAGAATCCCGG[CG>AA]CCGCCCGCCCACCCAGCCCATGGCTCCAGGCCCACCTGGCGAACTGACTCTCAGCCCGCG-3'

ClinVar aggregate classification (germline): Uncertain significance (1 of 4 stars; one submission).

Submission:

GeneDx
Classification: Uncertain significance. Last evaluated: 2024-08-08. Review status: criteria provided, single submitter. Criteria: GeneDx Variant Classification Process June 2021. Collection method: clinical testing. Allele origin: germline. Affected: yes.
Comment: Has not been previously published as pathogenic or benign to our knowledge; Not observed at significant frequency in large population cohorts (gnomAD); In silico analysis indicates that this variant does not alter protein structure/function